The following is an entry in ClinVar:

NM_003239.5(TGFB3):c.294G>A (p.Ser98=)

Gene: TGFB3 (transforming growth factor beta 3; minus strand). Cytogenetic location: 14q24.3.
Variant type: single nucleotide variant.
Coding change: c.294G>A on transcript NM_003239.5 (MANE Select); coding-DNA position 294, G replaced by A.
Protein change: p.Ser98=; no amino-acid change (serine 98 retained).
Molecular consequence: synonymous variant.
Genome position (GRCh38, 1-based): chr14:75,980,600, C>T on the plus strand (G>A on the coding strand, the complement: TGFB3 is on the minus strand). VCF-style: chr14-75980600-C-T. GRCh37 (hg19) VCF-style: chr14-76446943-C-T.
Other names: c.294G>A, p.Ser98= (NM_001329938.2, NM_001329939.2); c.294G>A (NM_003239.4).
Identifiers: ClinVar variation 314454 (VCV000314454.28), dbSNP rs778214495, ClinGen allele CA7280481.
Genomic context (GRCh38, chr14:75,980,600, plus strand): 5'-ACTGTGCTCCGCCAGCCCCTGGATCATGTCGAATTTATGGATTTCTTTGGCATAGTATTC[C>T]GACTCGGTGTTTTCCTGGGTGCAGCCTTCCTCCCTCTCCCCATGCATCTCCTCCAGCAGC-3'
Protein context (NP_003230.1, residues 88-108): EEGCTQENTE[Ser98=]EYYAKEIHKF

ClinVar aggregate classification (germline): Likely benign. Review status: criteria provided, multiple submitters, no conflicts (2 of 4 stars). 6 submissions from 6 submitters: Likely benign (6). Last evaluated 2025-11-21.

Conditions:
Rienhoff syndrome. Also called: LOEYS-DIETZ SYNDROME 5. Identifiers: MedGen C3810012, MONDO:0014262, OMIM 615582.
Arrhythmogenic right ventricular dysplasia 1. Identifiers: Orphanet 3403, MedGen C1862511, MONDO:0007152, OMIM 107970.
TGFB3-related disorder. Also called: TGFB3-related condition.
Familial thoracic aortic aneurysm and aortic dissection (TAAD). Also called: Thoracic aortic aneurysms and dissections. Identifiers: Orphanet 91387, MedGen C4707243, MONDO:0019625.

Allele frequency attached by ClinVar (database versions not stated): gnomAD exomes 0.00002 and 0.00006; TOPMed 0.00002; gnomAD 0.00003 and 0.00001; ExAC 0.00002.
gnomAD v4.1: 92 of 1,614,212 alleles (0.0057%); highest among the groups gnomAD compares: Non-Finnish European, 0.0067%; no homozygotes.

Submissions (6):

Labcorp Genetics (formerly Invitae), Labcorp
Classification: Likely benign for Rienhoff syndrome. Last evaluated: 2025-11-21. Review status: criteria provided, single submitter. Criteria: Invitae Variant Classification Sherloc (09022015). Collection method: clinical testing. Allele origin: germline.

PreventionGenetics, part of Exact Sciences
Classification: Likely benign for TGFB3-related condition. Last evaluated: 2025-08-06. Review status: criteria provided, single submitter. Criteria: ACMG Guidelines, 2015. Collection method: clinical testing. Allele origin: germline.
Comment: This variant is classified as likely benign based on ACMG/AMP sequence variant interpretation guidelines (Richards et al. 2015 PMID: 25741868, with internal and published modifications).

Fulgent Genetics
Classification: Likely benign for Arrhythmogenic right ventricular dysplasia 1; Rienhoff syndrome. Last evaluated: 2021-10-28. Review status: criteria provided, single submitter. Criteria: ACMG Guidelines, 2015. Collection method: clinical testing. Allele origin: unknown.

GeneDx
Classification: Likely benign. Last evaluated: 2020-08-25. Review status: criteria provided, single submitter. Criteria: GeneDx Variant Classification Process June 2021. Collection method: clinical testing. Allele origin: germline. Affected: yes.

Blueprint Genetics
Classification: Likely benign. Last evaluated: 2019-09-25. Review status: criteria provided, single submitter. Criteria: ACMG Guidelines, 2015. Collection method: clinical testing. Allele origin: germline.

Ambry Genetics
Classification: Likely benign for Familial thoracic aortic aneurysm and aortic dissection. Last evaluated: 2017-03-16. Review status: criteria provided, single submitter. Criteria: Ambry Variant Classification Scheme 2023. Collection method: clinical testing. Allele origin: germline.